The following is an entry in ClinVar:

ClinVar aggregate classification (germline): Uncertain significance (1 of 4 stars; one submission).

Allele frequency attached by ClinVar (database versions not stated): gnomAD 0.00001; gnomAD exomes 0.00001; TOPMed 0.00002.
gnomAD v4.1: 5 of 1,600,538 alleles (0.00031%); highest among the groups gnomAD compares: Non-Finnish European, 0.00043%; no homozygotes.

Submission:

Labcorp Genetics (formerly Invitae), Labcorp
Classification: Uncertain significance. Last evaluated: 2019-11-12. Review status: criteria provided, single submitter. Criteria: Invitae Variant Classification Sherloc (09022015). Collection method: clinical testing. Allele origin: germline.
Comment: In summary, the available evidence is currently insufficient to determine the role of this variant in disease. Therefore, it has been classified as a Variant of Uncertain Significance. Algorithms developed to predict the effect of missense changes on protein structure and function output the following: SIFT: "Tolerated"; PolyPhen-2: "Benign"; Align-GVGD: "Class C0". The threonine amino acid residue is found in multiple mammalian species, suggesting that this missense change does not adversely affect protein function. These predictions have not been confirmed by published functional studies and their clinical significance is uncertain. This variant has not been reported in the literature in individuals with RIMS1-related conditions. This variant is not present in population databases (ExAC no frequency). This sequence change replaces alanine with threonine at codon 771 of the RIMS1 protein (p.Ala771Thr). The alanine residue is weakly conserved and there is a small physicochemical difference between alanine and threonine.

NM_014989.7(RIMS1):c.2311G>A (p.Ala771Thr)

Gene: RIMS1 (regulating synaptic membrane exocytosis 1; plus strand). Cytogenetic location: 6q13.
Variant type: single nucleotide variant.
Coding change: c.2311G>A on transcript NM_014989.7 (MANE Select); coding-DNA position 2311, G replaced by A.
Protein change: p.Ala771Thr; replaces alanine 771 with threonine.
Molecular consequence: missense variant.
Genome position (GRCh38, 1-based): chr6:72,250,399, G>A. VCF-style: chr6-72250399-G-A. GRCh37 (hg19) VCF-style: chr6-72960102-G-A.
Other names: c.733G>A, p.Ala245Thr (NM_001168407.2, NM_001168408.2, NM_001350414.2 and 37 more transcripts); c.490G>A, p.Ala164Thr (NM_001168409.2, NM_001350461.2, NM_001350463.2 and 6 more transcripts); c.688G>A, p.Ala230Thr (NM_001168410.2, NM_001350470.2, NM_001350472.2 and 2 more transcripts); c.664G>A, p.Ala222Thr (NM_001350421.2, NM_001350424.2, NM_001350428.2 and 6 more transcripts); short protein forms A230T, A245T, A771T, A164T, A222T.
Identifiers: ClinVar variation 966835 (VCV000966835.9), dbSNP rs921889672, ClinGen allele CA140881959.